The following is an entry in ClinVar:

ClinVar aggregate classification (germline): Likely benign. Review status: criteria provided, multiple submitters, no conflicts (2 of 4 stars). 2 submissions from 2 submitters: Likely benign (2). Last evaluated 2026-05-27.

Conditions:
ATL1-related disorder. Also called: ATL1-related condition.
Hereditary spastic paraplegia 3A (SPG3A). Also called: Spastic Paraplegia 3A; SPASTIC PARAPLEGIA 3, AUTOSOMAL DOMINANT; FAMILIAL SPASTIC PARAPLEGIA, AUTOSOMAL DOMINANT, 1; SPG3; STRUMPELL DISEASE; Spastic paraplegia 3A, autosomal dominant. Identifiers: Orphanet 100984, MedGen C2931355, MONDO:0008437, OMIM 182600.

Allele frequency attached by ClinVar (database versions not stated): TOPMed below 0.00001; gnomAD exomes 0.00003.
gnomAD v4.1: 42 of 1,614,204 alleles (0.0026%); highest among the groups gnomAD compares: Non-Finnish European, 0.0034%; no homozygotes.

Submissions (2):

PreventionGenetics, part of Exact Sciences
Classification: Likely benign for ATL1-related condition. Last evaluated: 2026-05-27. Review status: criteria provided, single submitter. Criteria: ACMG Guidelines, 2015. Collection method: clinical testing. Allele origin: germline.
Comment: This variant is classified as likely benign based on ACMG/AMP sequence variant interpretation guidelines (Richards et al. 2015 PMID: 25741868, with internal and published modifications).

Labcorp Genetics (formerly Invitae), Labcorp
Classification: Likely benign for Hereditary spastic paraplegia 3A. Last evaluated: 2023-12-22. Review status: criteria provided, single submitter. Criteria: Invitae Variant Classification Sherloc (09022015). Collection method: clinical testing. Allele origin: germline.

NM_015915.5(ATL1):c.1197G>C (p.Val399=)

Gene: ATL1 (atlastin GTPase 1; plus strand). Cytogenetic location: 14q22.1.
Variant type: single nucleotide variant.
Coding change: c.1197G>C on transcript NM_015915.5 (MANE Select); coding-DNA position 1197, G replaced by C.
Protein change: p.Val399=; no amino-acid change (valine 399 retained).
Molecular consequence: synonymous variant.
Genome position (GRCh38, 1-based): chr14:50,628,108, G>C. VCF-style: chr14-50628108-G-C. GRCh37 (hg19) VCF-style: chr14-51094826-G-C.
Other names: c.1197G>C, p.Val399= (NM_001127713.1, NM_181598.4).
Identifiers: ClinVar variation 3016019 (VCV003016019.4), dbSNP rs1263398623, ClinGen allele CA486191810.